The following is an entry in ClinVar:

NM_001244008.2(KIF1A):c.1725C>T (p.Tyr575=)

Gene: KIF1A (kinesin family member 1A; minus strand). Cytogenetic location: 2q37.3.
Variant type: single nucleotide variant.
Coding change: c.1725C>T on transcript NM_001244008.2 (MANE Select); coding-DNA position 1725, C replaced by T.
Protein change: p.Tyr575=; no amino-acid change (tyrosine 575 retained).
Molecular consequence: synonymous variant.
Genome position (GRCh38, 1-based): chr2:240,765,753, G>A on the plus strand (C>T on the coding strand, the complement: KIF1A is on the minus strand). VCF-style: chr2-240765753-G-A. GRCh37 (hg19) VCF-style: chr2-241705170-G-A.
Other names: c.1725C>T, p.Tyr575= (NM_001320705.2, NM_001330289.2, NM_001379638.1); c.1800C>T, p.Tyr600= (NM_001330290.2, NM_001379631.1, NM_001379634.1 and 2 more transcripts); c.1698C>T, p.Tyr566= (NM_001379632.1, NM_001379633.1, NM_001379636.1 and 10 more transcripts); c.1773C>T, p.Tyr591= (NM_001379637.1, NM_001379648.1); c.1725C>T (NM_001244008.1).
Identifiers: ClinVar variation 1112459 (VCV001112459.15), dbSNP rs772063378, ClinGen allele CA2208293.

ClinVar aggregate classification (germline): Conflicting classifications of pathogenicity. Review status: criteria provided, conflicting classifications (1 of 4 stars). 4 submissions from 4 submitters: Uncertain significance (1); Likely benign (2). 1 of the submissions does not count toward it. Last evaluated 2025-06-09.

Conditions:
KIF1A-related disorder. Also called: KIF1A-related disorders; KIF1A-related condition.
Hereditary spastic paraplegia 30. Identifiers: Orphanet 101010, MedGen C5235139, MONDO:0012476.
Neuropathy, hereditary sensory, type 2C. Also called: KIF1A-Related HSAN2 (HSAN2C); Hereditary sensory and autonomic neuropathy type IIC. Identifiers: Orphanet 970, MedGen C3280168, MONDO:0013634, OMIM 614213.
Intellectual disability, autosomal dominant 9 (NESCAVS). Also called: NESCAV SYNDROME; KIF1A-Related Neurodevelopmental Disorder. Identifiers: Orphanet 662367, MedGen C5393830, MONDO:0013656, OMIM 614255.
Hereditary spastic paraplegia. Also called: Familial spastic paraparesis. Identifiers: Orphanet 685, MedGen C0037773, MONDO:0019064. Disease mechanism: loss of function.

Allele frequency attached by ClinVar (database versions not stated): ExAC 0.00002; gnomAD exomes 0.00002; gnomAD 0.00003 and 0.00004; TOPMed 0.00006.
gnomAD v4.1: 31 of 1,613,530 alleles (0.0019%); highest among the groups gnomAD compares: East Asian, 0.022%; no homozygotes.

Submissions (4):

Labcorp Genetics (formerly Invitae), Labcorp
Classification: Likely benign for Hereditary spastic paraplegia 30; Neuropathy, hereditary sensory, type 2C; Intellectual disability, autosomal dominant 9. Last evaluated: 2025-06-09. Review status: criteria provided, single submitter. Criteria: Invitae Variant Classification Sherloc (09022015). Collection method: clinical testing. Allele origin: germline.

Blueprint Genetics
Classification: Likely benign. Last evaluated: 2023-10-25. Review status: criteria provided, single submitter. Criteria: ACMG Guidelines, 2015. Collection method: clinical testing. Allele origin: germline.

Genome Diagnostics Laboratory, The Hospital for Sick Children
Classification: Uncertain significance for Hereditary spastic paraplegia. Last evaluated: 2016-12-12. Review status: criteria provided, single submitter. Criteria: ACMG Guidelines, 2015. Collection method: clinical testing. Allele origin: germline. Affected: yes.

PreventionGenetics, part of Exact Sciences
Classification: Likely benign for KIF1A-related condition. Last evaluated: 2019-03-27. Review status: no assertion criteria provided. Collection method: clinical testing. Allele origin: germline. Not counted in ClinVar's aggregate classification.
Comment: This variant is classified as likely benign based on ACMG/AMP sequence variant interpretation guidelines (Richards et al. 2015 PMID: 25741868, with internal and published modifications).